The following is an entry in ClinVar:

NM_001365951.3(KIF1B):c.908T>G (p.Phe303Cys)

Gene: KIF1B (kinesin family member 1B; plus strand). Cytogenetic location: 1p36.22.
Variant type: single nucleotide variant.
Coding change: c.908T>G on transcript NM_001365951.3 (MANE Select); coding-DNA position 908, T replaced by G.
Protein change: p.Phe303Cys; replaces phenylalanine 303 with cysteine.
Molecular consequence: missense variant.
Genome position (GRCh38, 1-based): chr1:10,275,453, T>G. VCF-style: chr1-10275453-T-G. GRCh37 (hg19) VCF-style: chr1-10335511-T-G.
Other names: c.908T>G, p.Phe303Cys (NM_001365952.1); c.890T>G, p.Phe297Cys (NM_001365953.1, NM_015074.3, NM_183416.4); short protein forms F297C, F303C.
Identifiers: ClinVar variation 3534006 (VCV003534006.1).

ClinVar aggregate classification (germline): Uncertain significance (1 of 4 stars; one submission).

Submission:

Ambry Genetics
Classification: Uncertain significance. Last evaluated: 2024-09-06. Review status: criteria provided, single submitter. Criteria: Ambry Variant Classification Scheme 2023. Collection method: clinical testing. Allele origin: germline.
Comment: The p.F297C variant (also known as c.890T>G), located in coding exon 9 of the KIF1B gene, results from a T to G substitution at nucleotide position 890. The phenylalanine at codon 297 is replaced by cysteine, an amino acid with highly dissimilar properties. This amino acid position is conserved. In addition, this alteration is predicted to be deleterious by in silico analysis. Based on the available evidence, the clinical significance of this variant remains unclear.